The following is an entry in ClinVar:

ClinVar aggregate classification (germline): Uncertain significance (1 of 4 stars; one submission).

Allele frequency attached by ClinVar (database versions not stated): ExAC 0.00001; gnomAD 0.00001; gnomAD exomes 0.00001; 1000 Genomes Project 30x 0.00016; 1000 Genomes Project 0.00020.
gnomAD v4.1: 4 of 1,612,236 alleles (0.00025%); highest among the groups gnomAD compares: Admixed American, 0.0033%; no homozygotes.

Submission:

Labcorp Genetics (formerly Invitae), Labcorp
Classification: Uncertain significance. Last evaluated: 2023-03-12. Review status: criteria provided, single submitter. Criteria: Invitae Variant Classification Sherloc (09022015). Collection method: clinical testing. Allele origin: germline.
Comment: Advanced modeling of protein sequence and biophysical properties (such as structural, functional, and spatial information, amino acid conservation, physicochemical variation, residue mobility, and thermodynamic stability) performed at Invitae indicates that this missense variant is not expected to disrupt CSF2RB protein function. In summary, the available evidence is currently insufficient to determine the role of this variant in disease. Therefore, it has been classified as a Variant of Uncertain Significance. This variant has not been reported in the literature in individuals affected with CSF2RB-related conditions. This variant is present in population databases (rs201530975, gnomAD 0.003%). This sequence change replaces serine, which is neutral and polar, with glycine, which is neutral and non-polar, at codon 586 of the CSF2RB protein (p.Ser586Gly).

NM_000395.3(CSF2RB):c.1756A>G (p.Ser586Gly)

Gene: CSF2RB (colony stimulating factor 2 receptor subunit beta; plus strand). Cytogenetic location: 22q12.3.
Variant type: single nucleotide variant.
Coding change: c.1756A>G on transcript NM_000395.3 (MANE Select); coding-DNA position 1756, A replaced by G.
Protein change: p.Ser586Gly; replaces serine 586 with glycine.
Molecular consequence: missense variant.
Genome position (GRCh38, 1-based): chr22:36,937,564, A>G. VCF-style: chr22-36937564-A-G. GRCh37 (hg19) VCF-style: chr22-37333606-A-G.
Other names: c.1774A>G, p.Ser592Gly (NM_001410827.1); short protein forms S592G, S586G.
Identifiers: ClinVar variation 3004599 (VCV003004599.3), dbSNP rs201530975, ClinGen allele CA10213973.
Genomic context (GRCh38, chr22:36,937,564, plus strand): 5'-CCCCCCAGCCCCCAGCCAGGCCCGCCTGCCGCCTCCCACACACCTGAGAAACAGGCTTCC[A>G]GCTTTGACTTCAATGGGCCCTACCTGGGGCCGCCCCACAGCCGCTCCCTACCTGACATCC-3'
Protein context (NP_000386.1, residues 576-596): ASHTPEKQAS[Ser586Gly]FDFNGPYLGP